The following is an entry in ClinVar:

ClinVar aggregate classification (germline): Likely pathogenic (1 of 4 stars; one submission).

Submission:

Labcorp Genetics (formerly Invitae), Labcorp
Classification: Likely pathogenic. Last evaluated: 2023-10-25. Review status: criteria provided, single submitter. Criteria: Invitae Variant Classification Sherloc (09022015). Collection method: clinical testing. Allele origin: germline.
Comment: This sequence change affects a donor splice site in intron 105 of the COL7A1 gene. It is expected to disrupt RNA splicing. Variants that disrupt the donor or acceptor splice site typically lead to a loss of protein function (PMID: 16199547), and loss-of-function variants in COL7A1 are known to be pathogenic (PMID: 16971478). This variant is not present in population databases (gnomAD no frequency). This variant has not been reported in the literature in individuals affected with COL7A1-related conditions. Algorithms developed to predict the effect of sequence changes on RNA splicing suggest that this variant may disrupt the consensus splice site. In summary, the currently available evidence indicates that the variant is pathogenic, but additional data are needed to prove that conclusively. Therefore, this variant has been classified as Likely Pathogenic.

Literature cited by the submitters: PubMed 16199547; PubMed 16971478.

NM_000094.4(COL7A1):c.7875+1G>T

Gene: COL7A1 (collagen type VII alpha 1 chain; minus strand). Cytogenetic location: 3p21.31.
Variant type: single nucleotide variant.
Coding change: c.7875+1G>T on transcript NM_000094.4 (MANE Select); the canonical splice donor site of the intron after coding-DNA position 7875, G replaced by T.
Molecular consequence: splice donor variant.
Genome position (GRCh38, 1-based): chr3:48,568,089, C>A on the plus strand (G>T on the coding strand, the complement: COL7A1 is on the minus strand). VCF-style: chr3-48568089-C-A. GRCh37 (hg19) VCF-style: chr3-48605522-C-A.
Identifiers: ClinVar variation 2734501 (VCV002734501.3), dbSNP rs2107637140, ClinGen allele CA352641753.
Genomic context (GRCh38, chr3:48,568,089, plus strand): 5'-CCTCGCCCTTCAACATTAGGCCTTCCTGACCAGAAAAAAACCAATCTTGTTTCTTTCCTA[C>A]CTTGAGGCCCCGGGGACCCATGAAGCCAACATCTCCTTTTTCTCCTCGGATACCAGGCAC-3'